The following is an entry in ClinVar:

NM_031935.3(HMCN1):c.2138_2147del (p.Val713fs)

Gene: HMCN1 (hemicentin 1; plus strand). Cytogenetic location: 1q31.1.
Variant type: Deletion.
Coding change: c.2138_2147del on transcript NM_031935.3 (MANE Select); coding-DNA positions 2138 to 2147, 10 bases deleted (TTGCCCTTGG; older notation c.2138_2147delTTGCCCTTGG).
Protein change: p.Val713fs; shifts the reading frame from valine 713.
Molecular consequence: frameshift variant.
Genome position (GRCh38, 1-based): chr1:185,965,841-185,965,850, TTGCCCTTGG deleted; deleting any 10 consecutive bases within chr1:185,965,836-185,965,850 gives the same sequence; the c. name uses the placement nearest the transcript's 3' end. VCF-style (leftmost placement, unchanged base first): chr1-185965835-TCTTGGTTGCC-T. GRCh37 (hg19) VCF-style: chr1-185934967-TCTTGGTTGCC-T.
Other names: short protein forms V713fs.
Identifiers: ClinVar variation 1391529 (VCV001391529.6), dbSNP rs747533230, ClinGen allele CA1291304.

ClinVar aggregate classification (germline): Uncertain significance (1 of 4 stars; one submission).

Submission:

Labcorp Genetics (formerly Invitae), Labcorp
Classification: Uncertain significance. Last evaluated: 2022-06-28. Review status: criteria provided, single submitter. Criteria: Invitae Variant Classification Sherloc (09022015). Collection method: clinical testing. Allele origin: germline.
Comment: This variant has not been reported in the literature in individuals affected with HMCN1-related conditions. In summary, the available evidence is currently insufficient to determine the role of this variant in disease. Therefore, it has been classified as a Variant of Uncertain Significance. This variant is present in population databases (rs747533230, gnomAD 0.0009%). This sequence change creates a premature translational stop signal (p.Val713Glyfs*3) in the HMCN1 gene. It is expected to result in an absent or disrupted protein product. However, the current clinical and genetic evidence is not sufficient to establish whether loss-of-function variants in HMCN1 cause disease.